The following is an entry in ClinVar:

NM_007055.4(POLR3A):c.126C>G (p.Tyr42Ter)

Gene: POLR3A (RNA polymerase III subunit A; minus strand). Cytogenetic location: 10q22.3.
Variant type: single nucleotide variant.
Coding change: c.126C>G on transcript NM_007055.4 (MANE Select); coding-DNA position 126, C replaced by G.
Protein change: p.Tyr42Ter; replaces tyrosine 42 with a stop codon.
Molecular consequence: nonsense.
Genome position (GRCh38, 1-based): chr10:78,026,148, G>C on the plus strand (C>G on the coding strand, the complement: POLR3A is on the minus strand). VCF-style: chr10-78026148-G-C. GRCh37 (hg19) VCF-style: chr10-79785906-G-C.
Other names: NM_007055.4(POLR3A):c.126C>G; p.Tyr42Ter; c.126C>G (NM_007055.3); short protein forms Y42*.
Identifiers: ClinVar variation 916218 (VCV000916218.41), dbSNP rs1564624254, ClinGen allele CA377347553.
Genomic context (GRCh38, chr10:78,026,148, plus strand): 5'-CCTTACCATCCTATGGTCGAGCACCCCATATAGCAAGGGGGCATGTTGGTTGTCCTGGCT[G>C]TACAGGTTCTTACTCACAACTTGGATGTGCGCCTGCTGGCGCATCTCCTCAGGTGACTTC-3'

ClinVar aggregate classification (germline): Likely pathogenic. Review status: criteria provided, multiple submitters, no conflicts (2 of 4 stars). 3 submissions from 3 submitters: Likely pathogenic (2). 1 of the submissions does not count toward it. Last evaluated 2023-01-24.

Conditions:
Leukodystrophy, hypomyelinating, 7, with or without oligodontia and/or hypogonadotropic hypogonadism (HLD7). Also called: Ataxia, Delayed Dentition and Hypomyelination (ADDH); LEUKODYSTROPHY, HYPOMYELINATING, 7, WITH OLIGODONTIA; LEUKODYSTROPHY, HYPOMYELINATING, 7, WITH OLIGODONTIA AND HYPOGONADOTROPIC HYPOGONADISM; LEUKODYSTROPHY, HYPOMYELINATING, 7, WITHOUT OLIGODONTIA OR HYPOGONADOTROPIC HYPOGONADISM; LEUKOENCEPHALOPATHY, HYPOMYELINATING, WITH ATAXIA AND DELAYED DENTITION; ATAXIA, DELAYED DENTITION, AND HYPOMYELINATION. Identifiers: Orphanet 137639, Orphanet 447893, Orphanet 447896, Orphanet 77295, Orphanet 88637, MedGen CN034185, MONDO:0011897, OMIM 607694.
POLR3A-related disorder. Also called: POLR3A-related condition; POLR3A-related disorders. Identifiers: MedGen CN378587, MONDO:0700276.

Allele frequency attached by ClinVar (database versions not stated): gnomAD exomes below 0.00001.
gnomAD v4.1: 3 of 1,614,222 alleles (0.00019%); highest among the groups gnomAD compares: Non-Finnish European, 0.00025%; no homozygotes.

Submissions (3):

Broad Center for Mendelian Genomics, Broad Institute of MIT and Harvard
Classification: Likely pathogenic for Leukodystrophy, hypomyelinating, 7, with or without oligodontia and/or hypogonadotropic hypogonadism. Last evaluated: 2023-01-24. Review status: criteria provided, single submitter. Criteria: ACMG Guidelines, 2015. Collection method: curation. Allele origin: germline. Inheritance: Autosomal recessive inheritance.
Comment: The p.Tyr42Ter variant in POLR3A has not been previously reported in the literature in individuals with POLR3A-related disorders, but has been identified in 0.0009% (1/113758) of European (non-Finnish) chromosomes by the Genome Aggregation Database (gnomAD). Although this variant has been seen in the general population in a heterozygous state, its frequency is low enough to be consistent with a recessive carrier frequency. This variant has also been reported in ClinVar (Variation ID#: 916218) and has been interpreted as likely pathogenic by CeGaT Center for Human Genetics Tuebingen. This nonsense variant leads to a premature termination codon at position 42, which is predicted to lead to a truncated or absent protein. Loss of function of the POLR3A gene is an established disease mechanism in autosomal recessive POLR3A-related disorders. In summary, although additional studies are required to fully establish its clinical significance, this variant is likely pathogenic for for autosomal recessive POLR3A-related disorders. ACMG/AMP Criteria applied: PVS1, PM2 (Richards 2015).

CeGaT Center for Human Genetics Tuebingen
Classification: Likely pathogenic. Last evaluated: 2020-03-01. Review status: criteria provided, single submitter. Criteria: CeGaT Center For Human Genetics Tuebingen Variant Classification Criteria Version 2. Collection method: clinical testing. Allele origin: germline. Affected: yes. Observed: 1 variant allele.

PreventionGenetics, part of Exact Sciences
Classification: Likely pathogenic for POLR3A-related condition. Last evaluated: 2024-09-04. Review status: no assertion criteria provided. Collection method: clinical testing. Allele origin: germline. Not counted in ClinVar's aggregate classification.
Comment: The POLR3A c.126C>G variant is predicted to result in premature protein termination (p.Tyr42*). This variant has not been previously reported in the literature. This variant is reported in 0.00088% of alleles in individuals of European (Non-Finnish) descent in gnomAD. Nonsense variants in POLR3A are expected to be pathogenic. This variant is interpreted as likely pathogenic.